The following is an entry in ClinVar:

ClinVar aggregate classification (germline): Likely pathogenic. Review status: criteria provided, multiple submitters, no conflicts (2 of 4 stars). 2 submissions from 2 submitters: Likely pathogenic (2). Last evaluated 2026-06-16.

Conditions:
Phenylketonuria (PKU). Also called: FOLLING DISEASE; Phenylketonurias; OLIGOPHRENIA PHENYLPYRUVICA; Phenylketonuria (PKU). Identifiers: Orphanet 716, MedGen C0031485, MONDO:0009861, OMIM 261600. Disease mechanism: loss of function.

Submissions (2):

Myriad Genetics, Inc.
Classification: Likely pathogenic for Phenylketonuria. Last evaluated: 2026-06-16. Review status: criteria provided, single submitter. Criteria: Myriad Autosomal Dominant, Autosomal Recessive and X-Linked Classification Criteria (2023). Collection method: clinical testing. Allele origin: unknown.
Comment: NM_000277.1(PAH):c.320A>C(H107P) is a missense variant classified as likely pathogenic in the context of phenylalanine hydroxylase deficiency. H107P has been observed in cases with relevant disease (PMID: 32668217). Relevant functional assessments of this variant are not available in the literature. Internal structural analysis of the variant is supportive of pathogenicity. H107P has not been observed in referenced population frequency databases. In summary, NM_000277.1(PAH):c.320A>C(H107P) is a missense variant that has internal structural support for pathogenicity and has been observed more frequently in cases with the relevant disease than in healthy populations. Please note: this variant was assessed in the context of healthy population screening.

Labcorp Genetics (formerly Invitae), Labcorp
Classification: Likely pathogenic for Phenylketonuria. Last evaluated: 2021-06-18. Review status: criteria provided, single submitter. Criteria: Invitae Variant Classification Sherloc (09022015). Collection method: clinical testing. Allele origin: germline.
Comment: This variant is not present in population databases (ExAC no frequency). This variant has not been reported in the literature in individuals with PAH-related conditions. This sequence change replaces histidine with proline at codon 107 of the PAH protein (p.His107Pro). The histidine residue is highly conserved and there is a moderate physicochemical difference between histidine and proline. Advanced modeling of protein sequence and biophysical properties (such as structural, functional, and spatial information, amino acid conservation, physicochemical variation, residue mobility, and thermodynamic stability) performed at Invitae indicates that this missense variant is expected to disrupt PAH protein function. This variant disrupts the p.His107 amino acid residue in PAH. Other variant(s) that disrupt this residue have been determined to be pathogenic (PMID: 26600521, 30050108, 25456745, 29390883, 21307867). This suggests that this residue is clinically significant, and that variants that disrupt this residue are likely to be disease-causing. In summary, the currently available evidence indicates that the variant is pathogenic, but additional data are needed to prove that conclusively. Therefore, this variant has been classified as Likely Pathogenic.

Literature cited by the submitters: PubMed 32668217 (cited by Myriad Genetics, Inc.); PubMed 26600521 (cited by Labcorp Genetics (formerly Invitae), Labcorp); PubMed 30050108 (cited by Labcorp Genetics (formerly Invitae), Labcorp); PubMed 25456745 (cited by Labcorp Genetics (formerly Invitae), Labcorp); PubMed 29390883 (cited by Labcorp Genetics (formerly Invitae), Labcorp); PubMed 21307867 (cited by Labcorp Genetics (formerly Invitae), Labcorp).

NM_000277.3(PAH):c.320A>C (p.His107Pro)

Gene: PAH (phenylalanine hydroxylase; minus strand). Cytogenetic location: 12q23.2.
Variant type: single nucleotide variant.
Coding change: c.320A>C on transcript NM_000277.3 (MANE Select); coding-DNA position 320, A replaced by C.
Protein change: p.His107Pro; replaces histidine 107 with proline.
Molecular consequence: missense variant.
Genome position (GRCh38, 1-based): chr12:102,894,767, T>G on the plus strand (A>C on the coding strand, the complement: PAH is on the minus strand). VCF-style: chr12-102894767-T-G. GRCh37 (hg19) VCF-style: chr12-103288545-T-G.
Other names: c.320A>C, p.His107Pro (NM_001354304.2); short protein forms H107P.
Identifiers: ClinVar variation 1523410 (VCV001523410.7), dbSNP rs542645236, ClinGen allele CA386303990.